The following is an entry in ClinVar:

ClinVar aggregate classification (germline): Uncertain significance (1 of 4 stars; one submission).

Allele frequency attached by ClinVar (database versions not stated): TOPMed below 0.00001.
gnomAD v4.1: 8 of 1,545,390 alleles (0.00052%); highest among the groups gnomAD compares: African/African-American, 0.0027%; no homozygotes.

Submission:

Labcorp Genetics (formerly Invitae), Labcorp
Classification: Uncertain significance. Last evaluated: 2023-06-23. Review status: criteria provided, single submitter. Criteria: Invitae Variant Classification Sherloc (09022015). Collection method: clinical testing. Allele origin: germline.
Comment: This sequence change replaces proline, which is neutral and non-polar, with arginine, which is basic and polar, at codon 71 of the DMRT1 protein (p.Pro71Arg). This variant is present in population databases (no rsID available, gnomAD 0.02%). This variant has not been reported in the literature in individuals affected with DMRT1-related conditions. Advanced modeling of protein sequence and biophysical properties (such as structural, functional, and spatial information, amino acid conservation, physicochemical variation, residue mobility, and thermodynamic stability) performed at Invitae indicates that this missense variant is expected to disrupt DMRT1 protein function. In summary, the available evidence is currently insufficient to determine the role of this variant in disease. Therefore, it has been classified as a Variant of Uncertain Significance.

NM_021951.3(DMRT1):c.212C>G (p.Pro71Arg)

Gene: DMRT1 (doublesex and mab-3 related transcription factor 1; plus strand). Cytogenetic location: 9p24.3.
Variant type: single nucleotide variant.
Coding change: c.212C>G on transcript NM_021951.3 (MANE Select); coding-DNA position 212, C replaced by G.
Protein change: p.Pro71Arg; replaces proline 71 with arginine.
Molecular consequence: missense variant.
Genome position (GRCh38, 1-based): chr9:842,050, C>G. VCF-style: chr9-842050-C-G. GRCh37 (hg19) VCF-style: chr9-842050-C-G.
Other names: short protein forms P71R.
Identifiers: ClinVar variation 2831506 (VCV002831506.3), dbSNP rs1171421770, ClinGen allele CA372774323.